The following is an entry in ClinVar:

ClinVar aggregate classification (germline): Conflicting classifications of pathogenicity. Review status: criteria provided, conflicting classifications (1 of 4 stars). 4 submissions from 4 submitters: Uncertain significance (1); Benign (1); Likely benign (1). 1 of the submissions does not count toward it. Last evaluated 2021-07-15.

Conditions:
NSD1-related disorder. Also called: NSD1-related condition.
Sotos syndrome (SOTOS). Also called: Distinctive facial appearance, overgrowth in childhood, and learning disabilities or delayed development; CHROMOSOME 5q35 DELETION SYNDROME; CEREBRAL GIGANTISM; Sotos' syndrome; SOTOS SYNDROME 1. Identifiers: Orphanet 821, MedGen C0175695, MONDO:0019349, OMIM 117550.

Allele frequency attached by ClinVar (database versions not stated): gnomAD 0.00016 and 0.00149; 1000 Genomes Project 30x 0.01109; ESP Exome Variant Server 0.00015; gnomAD exomes 0.00243 and 0.00483; 1000 Genomes Project 0.01038; TOPMed 0.00046; ExAC 0.00516.
gnomAD v4.1: 3,817 of 1,613,958 alleles (0.24%); highest among the groups gnomAD compares: South Asian, 3.8%; 95 homozygotes.

Submissions (4):

Genome-Nilou Lab
Classification: Likely benign for Sotos syndrome. Last evaluated: 2021-07-15. Review status: criteria provided, single submitter. Criteria: ACMG Guidelines, 2015. Collection method: clinical testing. Allele origin: germline. Affected: no.

GeneDx
Classification: Benign. Last evaluated: 2016-04-05. Review status: criteria provided, single submitter. Criteria: GeneDx Variant Classification (06012015). Collection method: clinical testing. Allele origin: germline. Affected: yes.
Comment: This variant is considered likely benign or benign based on one or more of the following criteria: it is a conservative change, it occurs at a poorly conserved position in the protein, it is predicted to be benign by multiple in silico algorithms, and/or has population frequency not consistent with disease.

Genetic Services Laboratory, University of Chicago
Classification: Uncertain significance. Last evaluated: 2013-08-21. Review status: criteria provided, single submitter. Criteria: ACMG Guidelines, 2007. Collection method: clinical testing. Allele origin: germline.

PreventionGenetics, part of Exact Sciences
Classification: Benign for NSD1-related condition. Last evaluated: 2019-04-22. Review status: no assertion criteria provided. Collection method: clinical testing. Allele origin: germline. Not counted in ClinVar's aggregate classification.
Comment: This variant is classified as benign based on ACMG/AMP sequence variant interpretation guidelines (Richards et al. 2015 PMID: 25741868, with internal and published modifications).

NM_022455.5(NSD1):c.-8G>A

Gene: NSD1 (nuclear receptor binding SET domain protein 1; plus strand). Cytogenetic location: 5q35.3.
Variant type: single nucleotide variant.
Coding change: c.-8G>A on transcript NM_022455.5 (MANE Select); 8 bases upstream of the start codon, G replaced by A.
Molecular consequence: 5 prime UTR variant.
Genome position (GRCh38, 1-based): chr5:177,135,096, G>A. VCF-style: chr5-177135096-G-A. GRCh37 (hg19) VCF-style: chr5-176562097-G-A.
Other names: c.-141G>A (NM_001365684.2, NM_001409305.1, NM_001409306.1 and 4 more transcripts); c.-8G>A (NM_001409301.1, NM_001409302.1, NM_001409303.1 and 1 more transcripts).
Identifiers: ClinVar variation 211715 (VCV000211715.11), dbSNP rs199639292, ClinGen allele CA206150.
Genomic context (GRCh38, chr5:177,135,096, plus strand): 5'-GAGTCAGATGGCCTATTAACTCAGATTAATTGCTGTGCTTTTGGATTCCAGGTTGATGCC[G>A]GCCCAGGATGGATCAGACCTGTGAACTACCCAGAAGAAATTGTCTGCTGCCCTTTTCCAA-3'